The following is an entry in ClinVar:

ClinVar aggregate classification (germline): Uncertain significance. Review status: criteria provided, multiple submitters, no conflicts (2 of 4 stars). 3 submissions from 3 submitters: Uncertain significance (3). Last evaluated 2026-09-04.

Conditions:
Hereditary cancer-predisposing syndrome. Also called: Neoplastic Syndromes, Hereditary; Tumor predisposition; Hereditary Cancer Syndrome; Hereditary neoplastic syndrome. Identifiers: Orphanet 140162, MedGen C0027672, MeSH D009386, MONDO:0015356.
Tuberous sclerosis 2 (TSC2). Identifiers: Orphanet 805, MedGen C1860707, MONDO:0013199, OMIM 613254.

Allele frequency attached by ClinVar (database versions not stated): TOPMed below 0.00001.

Submissions (3):

Ambry Genetics
Classification: Uncertain significance for Hereditary cancer-predisposing syndrome. Last evaluated: 2026-09-04. Review status: criteria provided, single submitter. Criteria: Ambry Variant Classification Scheme 2023. Collection method: clinical testing. Allele origin: germline.
Comment: The p.S1798A variant (also known as c.5392T>G), located in coding exon 41 of the TSC2 gene, results from a T to G substitution at nucleotide position 5392. The serine at codon 1798 is replaced by alanine, an amino acid with similar properties. This amino acid position is highly conserved in available vertebrate species. In addition, this alteration is predicted to be deleterious by in silico analysis. Based on the available evidence, the clinical significance of this variant remains unclear.

Labcorp Genetics (formerly Invitae), Labcorp
Classification: Uncertain significance for Tuberous sclerosis 2. Last evaluated: 2025-07-02. Review status: criteria provided, single submitter. Criteria: Invitae Variant Classification Sherloc (09022015). Collection method: clinical testing. Allele origin: germline.
Comment: This sequence change replaces serine, which is neutral and polar, with alanine, which is neutral and non-polar, at codon 1798 of the TSC2 protein (p.Ser1798Ala). This variant is not present in population databases (gnomAD no frequency). This variant has not been reported in the literature in individuals affected with TSC2-related conditions. ClinVar contains an entry for this variant (Variation ID: 2645973). Invitae Evidence Modeling of protein sequence and biophysical properties (such as structural, functional, and spatial information, amino acid conservation, physicochemical variation, residue mobility, and thermodynamic stability) indicates that this missense variant is not expected to disrupt TSC2 protein function with a negative predictive value of 95%. Experimental studies are conflicting or provide insufficient evidence to determine the effect of this variant on TSC2 function (PMID: 15342917, 17922028, 18308511). In summary, the available evidence is currently insufficient to determine the role of this variant in disease. Therefore, it has been classified as a Variant of Uncertain Significance.

CeGaT Center for Human Genetics Tuebingen
Classification: Uncertain significance. Last evaluated: 2023-04-01. Review status: criteria provided, single submitter. Criteria: CeGaT Center For Human Genetics Tuebingen Variant Classification Criteria Version 2. Collection method: clinical testing. Allele origin: germline. Affected: yes. Observed: 1 variant allele.
Comment: TSC2: PM2

Literature cited by the submitters: PubMed 15342917 (cited by Labcorp Genetics (formerly Invitae), Labcorp); PubMed 17922028 (cited by Labcorp Genetics (formerly Invitae), Labcorp); PubMed 18308511 (cited by Labcorp Genetics (formerly Invitae), Labcorp).

NM_000548.5(TSC2):c.5392T>G (p.Ser1798Ala)

Gene: TSC2 (TSC complex subunit 2; plus strand). Cytogenetic location: 16p13.3.
Variant type: single nucleotide variant.
Coding change: c.5392T>G on transcript NM_000548.5 (MANE Select); coding-DNA position 5392, T replaced by G.
Protein change: p.Ser1798Ala; replaces serine 1798 with alanine.
Molecular consequence: missense variant. On other transcripts: non-coding transcript variant (5).
Genome position (GRCh38, 1-based): chr16:2,088,578, T>G. VCF-style: chr16-2088578-T-G. GRCh37 (hg19) VCF-style: chr16-2138579-T-G.
Other names: c.5251T>G, p.Ser1751Ala (NM_001370405.1); c.5389T>G, p.Ser1797Ala (NM_001406663.1); c.5320T>G, p.Ser1774Ala (NM_001406664.1); c.5314T>G, p.Ser1772Ala (NM_001406665.1); c.5284T>G, p.Ser1762Ala (NM_001406667.1); c.5281T>G, p.Ser1761Ala (NM_001406668.1); c.5212T>G, p.Ser1738Ala (NM_001406670.1); c.5182T>G, p.Ser1728Ala (NM_001406671.1); and 27 more; short protein forms S1197A, S1283A, S1284A, S1306A, S1307A, S1327A, S1531A, S1532A.
Identifiers: ClinVar variation 2645973 (VCV002645973.26), dbSNP rs2091216026, ClinGen allele CA394316096.